The following is an entry in ClinVar:

ClinVar aggregate classification (germline): Uncertain significance. Review status: criteria provided, multiple submitters, no conflicts (2 of 4 stars). 2 submissions from 2 submitters: Uncertain significance (2). Last evaluated 2022-07-05.

Conditions:
Glycogen storage disease, type II (IOPD). Also called: Glycogen storage disease type 2; Acid maltase deficiency disease; Aglucosidase alfa; Deficiency of alpha-glucosidase; Deficiency of lysosomal alpha-glucosidase; Glucosidase acid-1,4-alpha deficiency. Identifiers: Orphanet 365, MedGen C0017921, MONDO:0009290, OMIM 232300.

Allele frequency attached by ClinVar (database versions not stated): gnomAD exomes below 0.00001; TOPMed below 0.00001.
gnomAD v4.1: 1 of 1,613,564 alleles (0.000062%); highest among the groups gnomAD compares: African/African-American, 0.0013%; no homozygotes.

Submissions (2):

Labcorp Genetics (formerly Invitae), Labcorp
Classification: Uncertain significance for Glycogen storage disease, type II. Last evaluated: 2022-07-05. Review status: criteria provided, single submitter. Criteria: Invitae Variant Classification Sherloc (09022015). Collection method: clinical testing. Allele origin: germline.
Comment: This sequence change falls in intron 5 of the GAA gene. It does not directly change the encoded amino acid sequence of the GAA protein. It affects a nucleotide within the consensus splice site. This variant is present in population databases (no rsID available, gnomAD 0.01%). This variant has not been reported in the literature in individuals affected with GAA-related conditions. ClinVar contains an entry for this variant (Variation ID: 1040582). Variants that disrupt the consensus splice site are a relatively common cause of aberrant splicing (PMID: 17576681, 9536098). Algorithms developed to predict the effect of sequence changes on RNA splicing suggest that this variant is not likely to affect RNA splicing. In summary, the available evidence is currently insufficient to determine the role of this variant in disease. Therefore, it has been classified as a Variant of Uncertain Significance.

Fulgent Genetics
Classification: Uncertain significance for Glycogen storage disease, type II. Last evaluated: 2021-09-03. Review status: criteria provided, single submitter. Criteria: ACMG Guidelines, 2015. Collection method: clinical testing. Allele origin: unknown.

Literature cited by the submitters: PubMed 17576681 (cited by Labcorp Genetics (formerly Invitae), Labcorp); PubMed 9536098 (cited by Labcorp Genetics (formerly Invitae), Labcorp).

NM_000152.5(GAA):c.956-3C>T

Gene: GAA (alpha glucosidase; plus strand). Cytogenetic location: 17q25.3.
Variant type: single nucleotide variant.
Coding change: c.956-3C>T on transcript NM_000152.5 (MANE Select); 3 bases into the intron before coding-DNA position 956, C replaced by T.
Molecular consequence: intron variant.
Genome position (GRCh38, 1-based): chr17:80,108,287, C>T. VCF-style: chr17-80108287-C-T. GRCh37 (hg19) VCF-style: chr17-78082086-C-T.
Other names: c.956-3C>T (NM_001079803.3, NM_001079804.3).
Identifiers: ClinVar variation 1040582 (VCV001040582.5), dbSNP rs1421879461, ClinGen allele CA627699086.